The following is an entry in ClinVar:

NM_016169.4(SUFU):c.1355C>T (p.Ser452Phe)

Gene: SUFU (SUFU negative regulator of hedgehog signaling; plus strand). Cytogenetic location: 10q24.32.
Variant type: single nucleotide variant.
Coding change: c.1355C>T on transcript NM_016169.4 (MANE Select); coding-DNA position 1355, C replaced by T.
Protein change: p.Ser452Phe; replaces serine 452 with phenylalanine.
Molecular consequence: missense variant.
Genome position (GRCh38, 1-based): chr10:102,627,233, C>T. VCF-style: chr10-102627233-C-T. GRCh37 (hg19) VCF-style: chr10-104386990-C-T.
Other names: short protein forms S452F.
Identifiers: ClinVar variation 5030402 (VCV005030402.1).

ClinVar aggregate classification (germline): Uncertain significance (1 of 4 stars; one submission).

Conditions:
Hereditary cancer-predisposing syndrome. Also called: Neoplastic Syndromes, Hereditary; Tumor predisposition; Hereditary neoplastic syndrome; Hereditary Cancer Syndrome. Identifiers: Orphanet 140162, MedGen C0027672, MeSH D009386, MONDO:0015356.

Submission:

Ambry Genetics
Classification: Uncertain significance for Hereditary cancer-predisposing syndrome. Last evaluated: 2026-07-07. Review status: criteria provided, single submitter. Criteria: Ambry Variant Classification Scheme 2023. Collection method: clinical testing. Allele origin: germline.
Comment: The p.S452F variant (also known as c.1355C>T), located in coding exon 11 of the SUFU gene, results from a C to T substitution at nucleotide position 1355. The serine at codon 452 is replaced by phenylalanine, an amino acid with highly dissimilar properties. This amino acid position is conserved. In addition, this alteration is predicted to be tolerated by in silico analysis. Based on the available evidence, the clinical significance of this variant remains unclear.